The following is an entry in ClinVar:

ClinVar aggregate classification (germline): Uncertain significance. Review status: criteria provided, multiple submitters, no conflicts (2 of 4 stars). 5 submissions from 5 submitters: Uncertain significance (5). Last evaluated 2024-11-15.

Conditions:
Spermatogenic failure 18. Identifiers: MedGen C4539783, MONDO:0054615, OMIM 617576.
Ciliary dyskinesia, primary, 37 (CILD37). Also called: CILIARY DYSKINESIA, PRIMARY, 37, WITH OR WITHOUT SITUS INVERSUS. Identifiers: MedGen C4539798, MONDO:0033204, OMIM 617577.

Allele frequency attached by ClinVar (database versions not stated): ExAC 0.00005; gnomAD 0.00005 and 0.00006; gnomAD exomes 0.00006 and 0.00010; ESP Exome Variant Server 0.00008; TOPMed 0.00008.

Submissions (5):

Ambry Genetics
Classification: Uncertain significance. Last evaluated: 2024-11-15. Review status: criteria provided, single submitter. Criteria: Ambry Variant Classification Scheme 2023. Collection method: clinical testing. Allele origin: germline.

Blueprint Genetics
Classification: Uncertain significance. Last evaluated: 2024-10-18. Review status: criteria provided, single submitter. Criteria: ACMG Guidelines, 2015. Collection method: clinical testing. Allele origin: germline.

CeGaT Center for Human Genetics Tuebingen
Classification: Uncertain significance. Last evaluated: 2023-06-01. Review status: criteria provided, single submitter. Criteria: CeGaT Center For Human Genetics Tuebingen Variant Classification Criteria Version 2. Collection method: clinical testing. Allele origin: germline. Affected: yes. Observed: 2 variant alleles.
Comment: DNAH1: PM2, BP4

Revvity Omics, Revvity
Classification: Uncertain significance. Last evaluated: 2021-11-29. Review status: criteria provided, single submitter. Criteria: ACMG Guidelines, 2015. Collection method: clinical testing. Allele origin: germline.

Labcorp Genetics (formerly Invitae), Labcorp
Classification: Uncertain significance for Ciliary dyskinesia, primary, 37; Spermatogenic failure 18. Last evaluated: 2021-09-02. Review status: criteria provided, single submitter. Criteria: Invitae Variant Classification Sherloc (09022015). Collection method: clinical testing. Allele origin: germline.
Comment: This sequence change replaces glutamine with proline at codon 4006 of the DNAH1 protein (p.Gln4006Pro). The glutamine residue is moderately conserved and there is a moderate physicochemical difference between glutamine and proline. This variant is present in population databases (rs369197857, ExAC 0.009%). This variant has not been reported in the literature in individuals affected with DNAH1-related conditions. Algorithms developed to predict the effect of missense changes on protein structure and function are either unavailable or do not agree on the potential impact of this missense change (SIFT: "Deleterious"; PolyPhen-2: "Benign"; Align-GVGD: "Class C0"). In summary, the available evidence is currently insufficient to determine the role of this variant in disease. Therefore, it has been classified as a Variant of Uncertain Significance.

NM_015512.5(DNAH1):c.12017A>C (p.Gln4006Pro)

Gene: DNAH1 (dynein axonemal heavy chain 1; plus strand). Cytogenetic location: 3p21.1.
Variant type: single nucleotide variant.
Coding change: c.12017A>C on transcript NM_015512.5 (MANE Select); coding-DNA position 12017, A replaced by C.
Protein change: p.Gln4006Pro; replaces glutamine 4006 with proline.
Molecular consequence: missense variant.
Genome position (GRCh38, 1-based): chr3:52,398,090, A>C. VCF-style: chr3-52398090-A-C. GRCh37 (hg19) VCF-style: chr3-52432106-A-C.
Other names: c.12017A>C (NM_015512.4); short protein forms Q4006P.
Identifiers: ClinVar variation 1004086 (VCV001004086.44), dbSNP rs369197857, ClinGen allele CA2436360.